The following is an entry in ClinVar:

ClinVar aggregate classification (germline): Uncertain significance. Review status: criteria provided, multiple submitters, no conflicts (2 of 4 stars). 3 submissions from 3 submitters: Uncertain significance (3). Last evaluated 2025-08-14.

Conditions:
Inborn genetic diseases. Identifiers: MedGen C0950123, MeSH D030342.

gnomAD v4.1: 32 of 1,502,246 alleles (0.0021%); highest among the groups gnomAD compares: East Asian, 0.03%; no homozygotes.

Submissions (3):

GeneDx
Classification: Uncertain significance. Last evaluated: 2025-08-14. Review status: criteria provided, single submitter. Criteria: GeneDx Variant Classification Process June 2021. Collection method: clinical testing. Allele origin: germline. Affected: yes.
Comment: In silico analysis supports that this missense variant has a deleterious effect on protein structure/function; Has not been previously published as pathogenic or benign to our knowledge

Ambry Genetics
Classification: Uncertain significance for Inborn genetic diseases. Last evaluated: 2024-04-23. Review status: criteria provided, single submitter. Criteria: Ambry Variant Classification Scheme 2023. Collection method: clinical testing. Allele origin: germline.

Blueprint Genetics
Classification: Uncertain significance. Last evaluated: 2023-05-24. Review status: criteria provided, single submitter. Criteria: ACMG Guidelines, 2015. Collection method: clinical testing. Allele origin: germline.

NM_001145308.5(LRTOMT):c.593C>T (p.Pro198Leu)

Genes: ANAPC15 (anaphase promoting complex subunit 15; minus strand), LRTOMT (leucine rich transmembrane and O-methyltransferase domain containing; plus strand), TOMT (transmembrane O-methyltransferase; plus strand). Cytogenetic location: 11q13.4.
Variant type: single nucleotide variant.
Coding change: c.593C>T on transcript NM_001145308.5; coding-DNA position 593, C replaced by T.
Protein change: p.Pro198Leu; replaces proline 198 with leucine.
Molecular consequence: missense variant. On other transcripts: 3 prime UTR variant (3), non-coding transcript variant (1), intron variant (7).
Genome position (GRCh38, 1-based): chr11:72,108,642, C>T. VCF-style: chr11-72108642-C-T. GRCh37 (hg19) VCF-style: chr11-71819688-C-T.
Other names: c.494C>T, p.Pro165Leu (NM_001393500.2); c.593C>T, p.Pro198Leu (NM_001145309.4); c.473C>T, p.Pro158Leu (NM_001145310.4); c.*177G>A (NM_001393443.1, NM_001393444.1, NM_001393445.1); c.64-1037G>A (NM_001393459.1); c.319-1037G>A (NM_001393430.1, NM_001393429.1, NM_001393428.1 and 3 more transcripts); short protein forms P158L, P165L, P198L.
Identifiers: ClinVar variation 3292133 (VCV003292133.3).